The following is an entry in ClinVar:

ClinVar aggregate classification (germline): Pathogenic (1 of 4 stars; one submission).

Submission:

Mayo Clinic Laboratories, Mayo Clinic
Classification: Pathogenic. Last evaluated: 2023-11-14. Review status: criteria provided, single submitter. Criteria: ACMG Guidelines, 2015. Collection method: clinical testing. Allele origin: germline. Observed: 1 variant allele.
Comment: PM2, PM3_supporting, PVS1

NM_020632.3(ATP6V0A4):c.2004del (p.Lys668fs)

Gene: ATP6V0A4 (ATPase H+ transporting V0 subunit a4; minus strand). Cytogenetic location: 7q34.
Variant type: Deletion.
Coding change: c.2004del on transcript NM_020632.3 (MANE Select); coding-DNA position 2004, one base deleted (A; older notation c.2004delA).
Protein change: p.Lys668fs; shifts the reading frame from lysine 668.
Molecular consequence: frameshift variant.
Genome position (GRCh38, 1-based): chr7:138,728,767, T deleted on the plus strand (A on the coding strand, the reverse complement: ATP6V0A4 is on the minus strand); the first of 3 consecutive T bases (chr7:138,728,767-138,728,769); deleting any one gives the same sequence. VCF-style (leftmost placement, unchanged base first): chr7-138728766-AT-A. GRCh37 (hg19) VCF-style: chr7-138413511-AT-A.
Other names: p.Lys668Asnfs*95; c.2004del, p.Lys668fs (NM_130840.3, NM_130841.3); short protein forms K668fs.
Identifiers: ClinVar variation 3381029 (VCV003381029.1).